The following is an entry in ClinVar:

NM_000051.4(ATM):c.2998A>T (p.Asn1000Tyr)

Gene: ATM (ATM serine/threonine kinase; plus strand). Cytogenetic location: 11q22.3.
Variant type: single nucleotide variant.
Coding change: c.2998A>T on transcript NM_000051.4 (MANE Select); coding-DNA position 2998, A replaced by T.
Protein change: p.Asn1000Tyr; replaces asparagine 1000 with tyrosine.
Molecular consequence: missense variant.
Genome position (GRCh38, 1-based): chr11:108,271,327, A>T. VCF-style: chr11-108271327-A-T. GRCh37 (hg19) VCF-style: chr11-108142054-A-T.
Other names: c.2998A>T, p.Asn1000Tyr (NM_001351834.2); short protein forms N1000Y.
Identifiers: ClinVar variation 934038 (VCV000934038.9), dbSNP rs2081571365, ClinGen allele CA382547384.

ClinVar aggregate classification (germline): Uncertain significance (1 of 4 stars; one submission).

Conditions:
Ataxia-telangiectasia syndrome (AT). Also called: Ataxia-telangiectasia, complementation group D; Cerebello-oculocutaneous telangiectasia; Immunodeficiency with ataxia telangiectasia; LOUIS-BAR SYNDROME; Ataxia-telangiectasia; AT, COMPLEMENTATION GROUP C. Identifiers: Orphanet 100, MedGen C0004135, MONDO:0008840, OMIM 208900.

Submission:

Labcorp Genetics (formerly Invitae), Labcorp
Classification: Uncertain significance for Ataxia-telangiectasia syndrome. Last evaluated: 2022-03-03. Review status: criteria provided, single submitter. Criteria: Invitae Variant Classification Sherloc (09022015). Collection method: clinical testing. Allele origin: germline.
Comment: This variant has not been reported in the literature in individuals affected with ATM-related conditions. This sequence change replaces asparagine, which is neutral and polar, with tyrosine, which is neutral and polar, at codon 1000 of the ATM protein (p.Asn1000Tyr). This variant is not present in population databases (gnomAD no frequency). ClinVar contains an entry for this variant (Variation ID: 934038). Advanced modeling of protein sequence and biophysical properties (such as structural, functional, and spatial information, amino acid conservation, physicochemical variation, residue mobility, and thermodynamic stability) performed at Invitae indicates that this missense variant is not expected to disrupt ATM protein function. In summary, the available evidence is currently insufficient to determine the role of this variant in disease. Therefore, it has been classified as a Variant of Uncertain Significance.